The following is an entry in ClinVar:

NM_005896.4(IDH1):c.228C>G (p.Ile76Met)

Gene: IDH1 (isocitrate dehydrogenase (NADP(+)) 1; minus strand). Cytogenetic location: 2q34.
Variant type: single nucleotide variant.
Coding change: c.228C>G on transcript NM_005896.4 (MANE Select); coding-DNA position 228, C replaced by G.
Protein change: p.Ile76Met; replaces isoleucine 76 with methionine.
Molecular consequence: missense variant.
Genome position (GRCh38, 1-based): chr2:208,248,555, G>C on the plus strand (C>G on the coding strand, the complement: IDH1 is on the minus strand). VCF-style: chr2-208248555-G-C. GRCh37 (hg19) VCF-style: chr2-209113279-G-C.
Other names: c.228C>G, p.Ile76Met (NM_001282386.1, NM_001282387.1); short protein forms I76M.
Identifiers: ClinVar variation 3225136 (VCV003225136.1), dbSNP rs2124863536, ClinGen allele CA350102174.

ClinVar aggregate classification (germline): Uncertain significance (1 of 4 stars; one submission).

Submission:

Ambry Genetics
Classification: Uncertain significance. Last evaluated: 2023-10-01. Review status: criteria provided, single submitter. Criteria: Ambry Variant Classification Scheme 2023. Collection method: clinical testing. Allele origin: germline.
Comment: The p.I76M variant (also known as c.228C>G), located in coding exon 2 of the IDH1 gene, results from a C to G substitution at nucleotide position 228. The isoleucine at codon 76 is replaced by methionine, an amino acid with highly similar properties. This amino acid position is conserved. In addition, the in silico prediction for this alteration is inconclusive. Since supporting evidence is limited at this time, the clinical significance of this alteration remains unclear.